The following is an entry in ClinVar:

ClinVar aggregate classification (germline): Likely benign. Review status: criteria provided, multiple submitters, no conflicts (2 of 4 stars). 3 submissions from 3 submitters: Likely benign (2). 1 of the submissions does not count toward it. Last evaluated 2024-12-10.

Conditions:
PHIP-related disorder. Also called: PHIP-related disorders; PHIP-related condition.
Inborn genetic diseases. Identifiers: MedGen C0950123, MeSH D030342.

Allele frequency attached by ClinVar (database versions not stated): gnomAD exomes 0.00001; ExAC 0.00004; ESP Exome Variant Server 0.00008; TOPMed 0.00012; gnomAD 0.00016.
gnomAD v4.1: 37 of 1,613,730 alleles (0.0023%); highest among the groups gnomAD compares: African/African-American, 0.047%; no homozygotes.

Submissions (3):

Ambry Genetics
Classification: Likely benign for Inborn genetic diseases. Last evaluated: 2024-12-10. Review status: criteria provided, single submitter. Criteria: Ambry Variant Classification Scheme 2023. Collection method: clinical testing. Allele origin: germline.

Labcorp Genetics (formerly Invitae), Labcorp
Classification: Likely benign. Last evaluated: 2024-04-12. Review status: criteria provided, single submitter. Criteria: Invitae Variant Classification Sherloc (09022015). Collection method: clinical testing. Allele origin: germline.

PreventionGenetics, part of Exact Sciences
Classification: Uncertain significance for PHIP-related condition. Last evaluated: 2024-08-20. Review status: no assertion criteria provided. Collection method: clinical testing. Allele origin: germline. Not counted in ClinVar's aggregate classification.
Comment: The PHIP c.5180C>T variant is predicted to result in the amino acid substitution p.Ala1727Val. To our knowledge, this variant has not been reported in the literature. This variant is reported in 0.024% of alleles in individuals of African descent in gnomAD, which is likely too frequent to be an undocumented pathogenic variant. Although we suspect that this variant may be benign, at this time, the clinical significance of this variant is uncertain due to the absence of conclusive functional and genetic evidence.

NM_017934.7(PHIP):c.5180C>T (p.Ala1727Val)

Genes: IRAK1BP1 (interleukin 1 receptor associated kinase 1 binding protein 1; plus strand), PHIP (PHIP subunit of CUL4-Ring ligase complex; minus strand). Cytogenetic location: 6q14.1.
Variant type: single nucleotide variant.
Coding change: c.5180C>T on transcript NM_017934.7 (MANE Select); coding-DNA position 5180, C replaced by T.
Protein change: p.Ala1727Val; replaces alanine 1727 with valine.
Molecular consequence: missense variant.
Genome position (GRCh38, 1-based): chr6:78,940,979, G>A on the plus strand (C>T on the coding strand, the complement: PHIP is on the minus strand). VCF-style: chr6-78940979-G-A. GRCh37 (hg19) VCF-style: chr6-79650696-G-A.
Other names: c.5180C>T (NM_017934.6, NM_017934.5); short protein forms A1727V.
Identifiers: ClinVar variation 2720057 (VCV002720057.5), dbSNP rs373941762, ClinGen allele CA3899302.